The following is an entry in ClinVar:

ClinVar aggregate classification (germline): Likely benign. Review status: criteria provided, multiple submitters, no conflicts (2 of 4 stars). 2 submissions from 2 submitters: Likely benign (2). Last evaluated 2025-09-30.

Conditions:
Catecholaminergic polymorphic ventricular tachycardia (CVPT). Also called: Catecholamine-induced polymorphic ventricular tachycardia. Identifiers: Orphanet 3286, MedGen C5574922, MONDO:0017990.

gnomAD v4.1: 1 of 1,601,496 alleles (0.000062%); highest among the groups gnomAD compares: African/African-American, 0.0013%; no homozygotes.

Submissions (2):

Women's Health and Genetics/Laboratory Corporation of America, LabCorp
Classification: Likely benign. Last evaluated: 2025-09-30. Review status: criteria provided, single submitter. Criteria: LabCorp Variant Classification Summary - May 2015. Collection method: clinical testing. Allele origin: germline.

All of Us Research Program, National Institutes of Health
Classification: Likely benign for Catecholaminergic polymorphic ventricular tachycardia. Last evaluated: 2023-05-30. Review status: criteria provided, single submitter. Criteria: ACMG Guidelines, 2015. Collection method: clinical testing. Allele origin: germline. Inheritance: Autosomal dominant inheritance. Observed: 1 variant allele, 1 heterozygote.
Comment: This study involves interpretation of variants in research participants for the purpose of population health screening. Participant phenotype was not available at the time of variant classification. Additional details can be found in publication PMID: 35346344, PMCID: PMC8962531

NM_001035.3(RYR2):c.13783-5T>C

Gene: RYR2 (ryanodine receptor 2; plus strand). Cytogenetic location: 1q43.
Variant type: single nucleotide variant.
Coding change: c.13783-5T>C on transcript NM_001035.3 (MANE Select); 5 bases into the intron before coding-DNA position 13783, T replaced by C.
Molecular consequence: intron variant.
Genome position (GRCh38, 1-based): chr1:237,793,862, T>C. VCF-style: chr1-237793862-T-C. GRCh37 (hg19) VCF-style: chr1-237957162-T-C.
Identifiers: ClinVar variation 3071420 (VCV003071420.2), dbSNP rs2527948805, ClinGen allele CA2651214959.